The following is an entry in ClinVar:

NM_000092.5(COL4A4):c.3578-2A>G

Gene: COL4A4 (collagen type IV alpha 4 chain; minus strand). Cytogenetic location: 2q36.3.
Variant type: single nucleotide variant.
Coding change: c.3578-2A>G on transcript NM_000092.5 (MANE Select); the canonical splice acceptor site of the intron before coding-DNA position 3578, A replaced by G.
Molecular consequence: splice acceptor variant.
Genome position (GRCh38, 1-based): chr2:227,032,278, T>C on the plus strand (A>G on the coding strand, the complement: COL4A4 is on the minus strand). VCF-style: chr2-227032278-T-C. GRCh37 (hg19) VCF-style: chr2-227896994-T-C.
Identifiers: ClinVar variation 2762983 (VCV002762983.3), dbSNP rs2473357970, ClinGen allele CA350837976.

ClinVar aggregate classification (germline): Likely pathogenic (1 of 4 stars; one submission).

Submission:

Labcorp Genetics (formerly Invitae), Labcorp
Classification: Likely pathogenic. Last evaluated: 2023-09-23. Review status: criteria provided, single submitter. Criteria: Invitae Variant Classification Sherloc (09022015). Collection method: clinical testing. Allele origin: germline.
Comment: This sequence change affects an acceptor splice site in intron 38 of the COL4A4 gene. It is expected to disrupt RNA splicing. Variants that disrupt the donor or acceptor splice site typically lead to a loss of protein function (PMID: 16199547), and loss-of-function variants in COL4A4 are known to be pathogenic (PMID: 21196518, 24854265, 25307543). This variant is not present in population databases (gnomAD no frequency). This variant has not been reported in the literature in individuals affected with COL4A4-related conditions. Algorithms developed to predict the effect of sequence changes on RNA splicing suggest that this variant may disrupt the consensus splice site. In summary, the currently available evidence indicates that the variant is pathogenic, but additional data are needed to prove that conclusively. Therefore, this variant has been classified as Likely Pathogenic.

Literature cited by the submitters: PubMed 16199547; PubMed 21196518; PubMed 24854265; PubMed 25307543.